The following is an entry in ClinVar:

NM_007215.4(POLG2):c.318_319delinsAA (p.Leu106_Arg107=)

Genes: MILR1 (mast cell immunoglobulin like receptor 1; plus strand), POLG2 (DNA polymerase gamma 2, accessory subunit; minus strand). Cytogenetic location: 17q23.3.
Variant type: Indel.
Coding change: c.318_319delinsAA on transcript NM_007215.4 (MANE Select); coding-DNA positions 318 to 319, GC replaced by AA.
Protein change: p.Leu106_Arg107=.
Molecular consequence: synonymous variant.
Genome position (GRCh38, 1-based): chr17:64,496,650-64,496,651, GC replaced by TT on the plus strand (GC replaced by AA on the coding strand, the reverse complement: POLG2 is on the minus strand). VCF-style: chr17-64496650-GC-TT. GRCh37 (hg19) VCF-style: chr17-62492768-GC-TT.
Identifiers: ClinVar variation 1932826 (VCV001932826.5), dbSNP rs2509560741, ClinGen allele CA2580094626.

ClinVar aggregate classification (germline): Uncertain significance (1 of 4 stars; one submission).

Submission:

Labcorp Genetics (formerly Invitae), Labcorp
Classification: Uncertain significance. Last evaluated: 2025-10-19. Review status: criteria provided, single submitter. Criteria: Invitae Variant Classification Sherloc (09022015). Collection method: clinical testing. Allele origin: germline.
Comment: This sequence change affects codon 106 of the POLG2 mRNA. It is a 'silent' change, meaning that it does not change the encoded amino acid sequence of the POLG2 protein. Information on the frequency of this variant in the gnomAD database is not available, as this variant may be reported differently in the database. This variant has not been reported in the literature in individuals affected with POLG2-related conditions. ClinVar contains an entry for this variant (Variation ID: 1932826). Experimental studies and prediction algorithms are not available or were not evaluated, and the effect of this variant on mRNA splicing is currently unknown. In summary, the available evidence is currently insufficient to determine the role of this variant in disease. Therefore, it has been classified as a Variant of Uncertain Significance.